The following is an entry in ClinVar:

ClinVar aggregate classification (germline): Uncertain significance (1 of 4 stars; one submission).

Conditions:
Granulomatous disease, chronic, autosomal recessive, cytochrome b-positive, type 3. Also called: GRANULOMATOUS DISEASE, CHRONIC, AUTOSOMAL RECESSIVE, 3; CGD, AUTOSOMAL RECESSIVE CYTOCHROME b-POSITIVE, TYPE III; Granulomatous disease, chronic, autosomal recessive, cytochrome b-positive, type III; GRANULOMATOUS DISEASE, CHRONIC, DUE TO NCF4 DEFICIENCY. Identifiers: Orphanet 379, MedGen C3151409, MONDO:0013507, OMIM 613960.

Submission:

Center for Genomics, Ann and Robert H. Lurie Children's Hospital of Chicago
Classification: Uncertain significance for Granulomatous disease, chronic, autosomal recessive, cytochrome b-positive, type 3. Last evaluated: 2022-10-04. Review status: criteria provided, single submitter. Criteria: ACMG Guidelines, 2015. Collection method: clinical testing. Allele origin: germline.
Comment: This variant has not been reported in the literature and is not present in large control databases. Evolutionary conservation and computational predictive tools suggest that this variant may impact the protein. In summary, data on this variant is insufficient for disease classification. Therefore, the clinical significance of this variant is uncertain.

NM_000631.5(NCF4):c.619T>C (p.Trp207Arg)

Gene: NCF4 (neutrophil cytosolic factor 4; plus strand). Cytogenetic location: 22q12.3.
Variant type: single nucleotide variant.
Coding change: c.619T>C on transcript NM_000631.5 (MANE Select); coding-DNA position 619, T replaced by C.
Protein change: p.Trp207Arg; replaces tryptophan 207 with arginine.
Molecular consequence: missense variant.
Genome position (GRCh38, 1-based): chr22:36,872,417, T>C. VCF-style: chr22-36872417-T-C. GRCh37 (hg19) VCF-style: chr22-37268459-T-C.
Other names: c.619T>C, p.Trp207Arg (NM_013416.4); short protein forms W207R.
Identifiers: ClinVar variation 2500063 (VCV002500063.1), dbSNP rs2517923367, ClinGen allele CA411386266.